The following is an entry in ClinVar:

NM_000163.5(GHR):c.677A>G (p.Tyr226Cys)

Gene: GHR (growth hormone receptor; plus strand). Cytogenetic location: 5p12.
Variant type: single nucleotide variant.
Coding change: c.677A>G on transcript NM_000163.5 (MANE Select); coding-DNA position 677, A replaced by G.
Protein change: p.Tyr226Cys; replaces tyrosine 226 with cysteine.
Molecular consequence: missense variant.
Genome position (GRCh38, 1-based): chr5:42,711,265, A>G. VCF-style: chr5-42711265-A-G. GRCh37 (hg19) VCF-style: chr5-42711367-A-G.
Other names: c.698A>G, p.Tyr233Cys (NM_001242399.2); c.677A>G, p.Tyr226Cys (NM_001242400.2, NM_001242401.4, NM_001242402.2 and 5 more transcripts); c.611A>G, p.Tyr204Cys (NM_001242460.2); short protein forms Y204C, Y226C, Y233C.
Identifiers: ClinVar variation 4293243 (VCV004293243.1).

ClinVar aggregate classification (germline): Uncertain significance (1 of 4 stars; one submission).

Conditions:
Laron-type isolated somatotropin defect. Also called: Growth hormone binding protein deficiency or dysfunction; Growth hormone receptor deficiency or dysfunction; Laron dwarfism; Laron type pituitary dwarfism I; GROWTH HORMONE RECEPTOR DEFICIENCY; Laron Syndrome. Identifiers: Orphanet 633, MedGen C0271568, MONDO:0009877, OMIM 262500.

Submission:

3billion
Classification: Uncertain significance for Laron-type isolated somatotropin defect. Last evaluated: 2024-10-14. Review status: criteria provided, single submitter. Criteria: ACMG Guidelines, 2015. Collection method: clinical testing. Allele origin: germline. Affected: yes.
Comment: The variant is not observed in the gnomAD v4.1.0 dataset. Predicted Consequence/Location: Missense variant In silico tool predictions suggest damaging effect of the variant on gene or gene product [REVEL: 0.93 (>=0.6, sensitivity 0.68 and specificity 0.92)]. The same nucleotide change resulting in the same amino acid change has been previously reported to be associated with GHR-related disorder (PMID: 10870033). The variant has been reported to co-segregate with the disease in at least one similarly affected relative/individual in the same family or similarly affected unrelated family (PMID: 10870033). However, the evidence of pathogenicity is insufficient at this time. Therefore, this variant is classified as VUS according to the recommendation of ACMG/AMP guideline.

Literature cited by the submitters: PubMed 10870033.